The following is an entry in ClinVar:

NM_001318852.2(MAPK8IP3):c.856G>A (p.Val286Ile)

Gene: MAPK8IP3 (mitogen-activated protein kinase 8 interacting protein 3; plus strand). Cytogenetic location: 16p13.3.
Variant type: single nucleotide variant.
Coding change: c.856G>A on transcript NM_001318852.2 (MANE Select); coding-DNA position 856, G replaced by A.
Protein change: p.Val286Ile; replaces valine 286 with isoleucine.
Molecular consequence: missense variant.
Genome position (GRCh38, 1-based): chr16:1,747,137, G>A. VCF-style: chr16-1747137-G-A. GRCh37 (hg19) VCF-style: chr16-1797138-G-A.
Other names: c.853G>A, p.Val285Ile (NM_001040439.2, NM_015133.5, NM_033392.3); short protein forms V285I, V286I.
Identifiers: ClinVar variation 2645912 (VCV002645912.24), dbSNP rs749671052, ClinGen allele CA7816517.

ClinVar aggregate classification (germline): Likely benign (1 of 4 stars; one submission).

Allele frequency attached by ClinVar (database versions not stated): gnomAD 0.00001; gnomAD exomes 0.00001; ExAC 0.00002.
gnomAD v4.1: 11 of 1,613,886 alleles (0.00068%); highest among the groups gnomAD compares: East Asian, 0.0045%; no homozygotes.

Submission:

CeGaT Center for Human Genetics Tuebingen
Classification: Likely benign. Last evaluated: 2026-02-01. Review status: criteria provided, single submitter. Criteria: CeGaT Center For Human Genetics Tuebingen Variant Classification Criteria Version 2. Collection method: clinical testing. Allele origin: germline. Affected: yes. Observed: 2 variant alleles.
Comment: MAPK8IP3: BP4